The following is an entry in ClinVar:

ClinVar aggregate classification (germline): Conflicting classifications of pathogenicity. Review status: criteria provided, conflicting classifications (1 of 4 stars). 4 submissions from 4 submitters: Uncertain significance (1); Likely benign (3). Last evaluated 2025-08-06.

Conditions:
Cardiomyopathy (CMYO). Also called: Cardiomyopathies. Identifiers: Orphanet 167848, MedGen C0878544, MONDO:0004994, HP:0001638. Inheritance: Various modes of inheritance.
Arrhythmogenic right ventricular dysplasia 8 (ARVD8). Also called: ARRHYTHMOGENIC RIGHT VENTRICULAR DYSPLASIA, FAMILIAL, 8; ARRHYTHMOGENIC RIGHT VENTRICULAR CARDIOMYOPATHY 8; Arrhythmogenic Right Ventricular Dysplasia/Cardiomyopathy 8. Identifiers: MedGen C1843896, MONDO:0011831, OMIM 607450.
Arrhythmogenic cardiomyopathy with wooly hair and keratoderma. Also called: Dilated cardiomyopathy with woolly hair and keratoderma; PALMOPLANTAR KERATODERMA WITH LEFT VENTRICULAR CARDIOMYOPATHY AND WOOLLY HAIR; Carvajal syndrome; Arrhythmogenic cardiomyopathy with woolly hair and keratoderma. Identifiers: Orphanet 65282, MedGen C1854063, MONDO:0011581, OMIM 605676.
Cardiovascular phenotype. Identifiers: MedGen CN230736.

Allele frequency attached by ClinVar (database versions not stated): TOPMed 0.00001; gnomAD 0.00003 and 0.00005; gnomAD exomes 0.00004 and 0.00007; ExAC 0.00008.
gnomAD v4.1: 67 of 1,613,954 alleles (0.0042%); highest among the groups gnomAD compares: South Asian, 0.057%; 6 homozygotes.

Submissions (4):

Labcorp Genetics (formerly Invitae), Labcorp
Classification: Likely benign for Arrhythmogenic cardiomyopathy with wooly hair and keratoderma; Arrhythmogenic right ventricular dysplasia 8. Last evaluated: 2025-08-06. Review status: criteria provided, single submitter. Criteria: Invitae Variant Classification Sherloc (09022015). Collection method: clinical testing. Allele origin: germline.

All of Us Research Program, National Institutes of Health
Classification: Uncertain significance for Arrhythmogenic cardiomyopathy with wooly hair and keratoderma. Last evaluated: 2024-01-11. Review status: criteria provided, single submitter. Criteria: ACMG Guidelines, 2015. Collection method: clinical testing. Allele origin: germline. Inheritance: Autosomal dominant inheritance. Observed: 1 variant allele, 1 heterozygote.
Comment: This study involves interpretation of variants in research participants for the purpose of population health screening. Participant phenotype was not available at the time of variant classification. Additional details can be found in publication PMID: 35346344, PMCID: PMC8962531

Ambry Genetics
Classification: Likely benign for Cardiovascular phenotype. Last evaluated: 2022-03-23. Review status: criteria provided, single submitter. Criteria: Ambry Variant Classification Scheme 2023. Collection method: clinical testing. Allele origin: germline.

Color Diagnostics, LLC DBA Color Health
Classification: Likely benign for Cardiomyopathy. Last evaluated: 2020-04-09. Review status: criteria provided, single submitter. Criteria: ACMG Guidelines, 2015. Collection method: clinical testing. Allele origin: germline.

NM_004415.4(DSP):c.3275C>T (p.Ser1092Leu)

Gene: DSP (desmoplakin; plus strand). Cytogenetic location: 6p24.3.
Variant type: single nucleotide variant.
Coding change: c.3275C>T on transcript NM_004415.4 (MANE Select); coding-DNA position 3275, C replaced by T.
Protein change: p.Ser1092Leu; replaces serine 1092 with leucine.
Molecular consequence: missense variant.
Genome position (GRCh38, 1-based): chr6:7,579,465, C>T. VCF-style: chr6-7579465-C-T. GRCh37 (hg19) VCF-style: chr6-7579698-C-T.
Other names: c.3275C>T, p.Ser1092Leu (NM_001008844.3, NM_001319034.2); short protein forms S1092L.
Identifiers: ClinVar variation 852226 (VCV000852226.13), dbSNP rs755481878, ClinGen allele CA037613.